The following is an entry in ClinVar:

ClinVar aggregate classification (germline): Uncertain significance (1 of 4 stars; one submission).

Submission:

Labcorp Genetics (formerly Invitae), Labcorp
Classification: Uncertain significance. Last evaluated: 2024-12-02. Review status: criteria provided, single submitter. Criteria: Invitae Variant Classification Sherloc (09022015). Collection method: clinical testing. Allele origin: germline.
Comment: This sequence change replaces phenylalanine, which is neutral and non-polar, with leucine, which is neutral and non-polar, at codon 162 of the SLC20A2 protein (p.Phe162Leu). This variant is not present in population databases (gnomAD no frequency). This variant has not been reported in the literature in individuals affected with SLC20A2-related conditions. ClinVar contains an entry for this variant (Variation ID: 2851818). Invitae Evidence Modeling of protein sequence and biophysical properties (such as structural, functional, and spatial information, amino acid conservation, physicochemical variation, residue mobility, and thermodynamic stability) indicates that this missense variant is expected to disrupt SLC20A2 protein function with a positive predictive value of 95%. In summary, the available evidence is currently insufficient to determine the role of this variant in disease. Therefore, it has been classified as a Variant of Uncertain Significance.

NM_001257180.2(SLC20A2):c.486T>G (p.Phe162Leu)

Gene: SLC20A2 (solute carrier family 20 member 2; minus strand). Cytogenetic location: 8p11.21.
Variant type: single nucleotide variant.
Coding change: c.486T>G on transcript NM_001257180.2 (MANE Select); coding-DNA position 486, T replaced by G.
Protein change: p.Phe162Leu; replaces phenylalanine 162 with leucine.
Molecular consequence: missense variant.
Genome position (GRCh38, 1-based): chr8:42,463,035, A>C on the plus strand (T>G on the coding strand, the complement: SLC20A2 is on the minus strand). VCF-style: chr8-42463035-A-C. GRCh37 (hg19) VCF-style: chr8-42320553-A-C.
Other names: c.486T>G, p.Phe162Leu (NM_001257181.2, NM_006749.5); short protein forms F162L.
Identifiers: ClinVar variation 2851818 (VCV002851818.3), dbSNP rs2487523820, ClinGen allele CA371086364.